The following is an entry in ClinVar:

NM_000245.4(MET):c.1265C>T (p.Thr422Ile)

Gene: MET (MET proto-oncogene, receptor tyrosine kinase; plus strand). Cytogenetic location: 7q31.2.
Variant type: single nucleotide variant.
Coding change: c.1265C>T on transcript NM_000245.4 (MANE Select); coding-DNA position 1265, C replaced by T.
Protein change: p.Thr422Ile; replaces threonine 422 with isoleucine.
Molecular consequence: missense variant. On other transcripts: 5 prime UTR variant (1).
Genome position (GRCh38, 1-based): chr7:116,731,732, C>T. VCF-style: chr7-116731732-C-T. GRCh37 (hg19) VCF-style: chr7-116371786-C-T.
Other names: c.1265C>T, p.Thr422Ile (NM_001127500.3, NM_001324401.3); c.-26C>T (NM_001324402.2); short protein forms T422I.
Identifiers: ClinVar variation 1040531 (VCV001040531.11), dbSNP rs1793012257, ClinGen allele CA368972808.
Genomic context (GRCh38, chr7:116,731,732, plus strand): 5'-TTCTGAGAAATTCATCAGGCTGTGAAGCGCGCCGTGATGAATATCGAACAGAGTTTACCA[C>T]AGCTTTGCAGCGCGTTGACTTATTCATGGGTCAATTCAGCGAAGTCCTCTTAACATCTAT-3'
Protein context (NP_000236.2, residues 412-432): RRDEYRTEFT[Thr422Ile]ALQRVDLFMG

ClinVar aggregate classification (germline): Uncertain significance. Review status: criteria provided, multiple submitters, no conflicts (2 of 4 stars). 2 submissions from 2 submitters: Uncertain significance (2). Last evaluated 2022-05-14.

Conditions:
Hereditary cancer-predisposing syndrome. Also called: Hereditary Cancer Syndrome; Tumor predisposition; Hereditary neoplastic syndrome; Neoplastic Syndromes, Hereditary. Identifiers: Orphanet 140162, MedGen C0027672, MeSH D009386, MONDO:0015356.
Renal cell carcinoma. Identifiers: Orphanet 217071, MedGen C0007134, MeSH D002292, MONDO:0005086, HP:0005584.

Submissions (2):

Ambry Genetics
Classification: Uncertain significance for Hereditary cancer-predisposing syndrome. Last evaluated: 2022-05-14. Review status: criteria provided, single submitter. Criteria: Ambry Variant Classification Scheme 2023. Collection method: clinical testing. Allele origin: germline.
Comment: The p.T422I variant (also known as c.1265C>T), located in coding exon 2 of the MET gene, results from a C to T substitution at nucleotide position 1265. The threonine at codon 422 is replaced by isoleucine, an amino acid with similar properties. This amino acid position is conserved. In addition, the in silico prediction for this alteration is inconclusive. Since supporting evidence is limited at this time, the clinical significance of this alteration remains unclear.

Labcorp Genetics (formerly Invitae), Labcorp
Classification: Uncertain significance for Renal cell carcinoma. Last evaluated: 2021-05-31. Review status: criteria provided, single submitter. Criteria: Invitae Variant Classification Sherloc (09022015). Collection method: clinical testing. Allele origin: germline.
Comment: In summary, the available evidence is currently insufficient to determine the role of this variant in disease. Therefore, it has been classified as a Variant of Uncertain Significance. Algorithms developed to predict the effect of missense changes on protein structure and function are either unavailable or do not agree on the potential impact of this missense change (SIFT: "Deleterious"; PolyPhen-2: "Probably Damaging"; Align-GVGD: "Class C0"). This variant has not been reported in the literature in individuals with MET-related conditions. This variant is not present in population databases (ExAC no frequency). This sequence change replaces threonine with isoleucine at codon 422 of the MET protein (p.Thr422Ile). The threonine residue is moderately conserved and there is a moderate physicochemical difference between threonine and isoleucine.